The following is an entry in ClinVar:

ClinVar aggregate classification (germline): Uncertain significance (1 of 4 stars; one submission).

Conditions:
Familial hemophagocytic lymphohistiocytosis 3 (FHL3). Also called: UNC13D-Related Familial Hemophagocytic Lymphohistiocytosis (UNC13D-fHLH). Identifiers: Orphanet 540, MedGen C1837174, MONDO:0012146, OMIM 608898.

Allele frequency attached by ClinVar (database versions not stated): gnomAD exomes 0.00001; ExAC 0.00002.
gnomAD v4.1: 11 of 1,613,574 alleles (0.00068%); highest among the groups gnomAD compares: Non-Finnish European, 0.00059%; no homozygotes.

Submission:

Labcorp Genetics (formerly Invitae), Labcorp
Classification: Uncertain significance for Familial hemophagocytic lymphohistiocytosis 3. Last evaluated: 2022-02-10. Review status: criteria provided, single submitter. Criteria: Invitae Variant Classification Sherloc (09022015). Collection method: clinical testing. Allele origin: germline.
Comment: This sequence change replaces cysteine, which is neutral and slightly polar, with arginine, which is basic and polar, at codon 112 of the UNC13D protein (p.Cys112Arg). This variant is present in population databases (rs771709162, gnomAD 0.003%). This variant has not been reported in the literature in individuals affected with UNC13D-related conditions. ClinVar contains an entry for this variant (Variation ID: 939997). Algorithms developed to predict the effect of missense changes on protein structure and function are either unavailable or do not agree on the potential impact of this missense change (SIFT: "Not Available"; PolyPhen-2: "Probably Damaging"; Align-GVGD: "Not Available"). In summary, the available evidence is currently insufficient to determine the role of this variant in disease. Therefore, it has been classified as a Variant of Uncertain Significance.

NM_199242.3(UNC13D):c.334T>C (p.Cys112Arg)

Gene: UNC13D (unc-13 homolog D; minus strand). Cytogenetic location: 17q25.1.
Variant type: single nucleotide variant.
Coding change: c.334T>C on transcript NM_199242.3 (MANE Select); coding-DNA position 334, T replaced by C.
Protein change: p.Cys112Arg; replaces cysteine 112 with arginine.
Molecular consequence: missense variant.
Genome position (GRCh38, 1-based): chr17:75,842,911, A>G on the plus strand (T>C on the coding strand, the complement: UNC13D is on the minus strand). VCF-style: chr17-75842911-A-G. GRCh37 (hg19) VCF-style: chr17-73838992-A-G.
Other names: short protein forms C112R.
Identifiers: ClinVar variation 939997 (VCV000939997.7), dbSNP rs771709162, ClinGen allele CA8773513.
Genomic context (GRCh38, chr17:75,842,911, plus strand): 5'-GCTCACCACTGACATCTTTGCCCAGAATGCCCTTGGCCTGTTTCACTGTTGCCTTCAGAC[A>G]AAATATTGGCTTCTGGAGGGACAGGAGGGATGGCCTGAGTCCCTGAGGGGGCTGGGCTTC-3'
Protein context (NP_954712.1, residues 102-122): RVRELEKPIF[Cys112Arg]LKATVKQAKG